The following is an entry in ClinVar:

ClinVar aggregate classification (germline): Conflicting classifications of pathogenicity. Review status: criteria provided, conflicting classifications (1 of 4 stars). 2 submissions from 2 submitters: Uncertain significance (1); Likely benign (1). Last evaluated 2025-07-15.

Conditions:
Familial thoracic aortic aneurysm and aortic dissection (TAAD). Also called: Thoracic aortic aneurysms and dissections. Identifiers: Orphanet 91387, MedGen C4707243, MONDO:0019625.
Marfan syndrome (MFS). Also called: MARFAN SYNDROME, TYPE I; Marfan syndrome type 1; Marfan's syndrome; Marfan syndrome, classic; FBN1-Related Marfan Syndrome. Identifiers: Orphanet 284963, Orphanet 558, MedGen C0024796, MONDO:0007947, OMIM 154700.

gnomAD v4.1: 2 of 1,614,006 alleles (0.00012%); highest among the groups gnomAD compares: Non-Finnish European, 0.00017%; no homozygotes.

Submissions (2):

Color Diagnostics, LLC DBA Color Health
Classification: Uncertain significance for Familial thoracic aortic aneurysm and aortic dissection. Last evaluated: 2025-07-15. Review status: criteria provided, single submitter. Criteria: ACMG Guidelines, 2015. Collection method: clinical testing. Allele origin: germline.
Comment: This missense variant replaces histidine with glutamine at codon 1041 of the FBN1 protein. Computational prediction suggests that this variant may not impact protein structure and function. To our knowledge, functional studies have not been reported for this variant. This variant has not been reported in individuals affected with FBN1-related disorders in the literature. This variant has been identified in 2/282862 chromosomes in the general population by the Genome Aggregation Database (gnomAD). The available evidence is insufficient to determine the role of this variant in disease conclusively. Therefore, this variant is classified as a Variant of Uncertain Significance.

Labcorp Genetics (formerly Invitae), Labcorp
Classification: Likely benign for Marfan syndrome; Familial thoracic aortic aneurysm and aortic dissection. Last evaluated: 2024-08-11. Review status: criteria provided, single submitter. Criteria: Invitae Variant Classification Sherloc (09022015). Collection method: clinical testing. Allele origin: germline.

NM_000138.5(FBN1):c.3123C>A (p.His1041Gln)

Gene: FBN1 (fibrillin 1; minus strand). Cytogenetic location: 15q21.1.
Variant type: single nucleotide variant.
Coding change: c.3123C>A on transcript NM_000138.5 (MANE Select); coding-DNA position 3123, C replaced by A.
Protein change: p.His1041Gln; replaces histidine 1041 with glutamine.
Molecular consequence: missense variant.
Genome position (GRCh38, 1-based): chr15:48,488,453, G>T on the plus strand (C>A on the coding strand, the complement: FBN1 is on the minus strand). VCF-style: chr15-48488453-G-T. GRCh37 (hg19) VCF-style: chr15-48780650-G-T.
Other names: c.3123C>A, p.His1041Gln (NM_001406716.1); short protein forms H1041Q.
Identifiers: ClinVar variation 2154893 (VCV002154893.5), dbSNP rs576395584, ClinGen allele CA049905.